The following is an entry in ClinVar:

ClinVar aggregate classification (germline): Pathogenic (1 of 4 stars; one submission).

Conditions:
Long QT syndrome (LQTS). Identifiers: MedGen C0023976, MeSH D008133, MONDO:0002442. Disease mechanism: loss of function. Inheritance: Various modes of inheritance.

Submission:

Labcorp Genetics (formerly Invitae), Labcorp
Classification: Pathogenic for Long QT syndrome. Last evaluated: 2025-07-22. Review status: criteria provided, single submitter. Criteria: Invitae Variant Classification Sherloc (09022015). Collection method: clinical testing. Allele origin: germline.
Comment: This sequence change replaces aspartic acid, which is acidic and polar, with histidine, which is basic and polar, at codon 446 of the CACNA1C protein (p.Asp446His). This variant is not present in population databases (gnomAD no frequency). This missense change has been observed in individual(s) with long QT syndrome (internal data). In at least one individual the variant was observed to be de novo. ClinVar contains an entry for this variant (Variation ID: 3718454). Invitae Evidence Modeling of protein sequence and biophysical properties (such as structural, functional, and spatial information, amino acid conservation, physicochemical variation, residue mobility, and thermodynamic stability) indicates that this missense variant is expected to disrupt CACNA1C protein function with a positive predictive value of 95%. For these reasons, this variant has been classified as Pathogenic.

NM_000719.7(CACNA1C):c.1336G>C (p.Asp446His)

Gene: CACNA1C (calcium voltage-gated channel subunit alpha1 C; plus strand). Cytogenetic location: 12p13.33.
Variant type: single nucleotide variant.
Coding change: c.1336G>C on transcript NM_000719.7 (MANE Select); coding-DNA position 1336, G replaced by C.
Protein change: p.Asp446His; replaces aspartic acid 446 with histidine.
Molecular consequence: missense variant.
Genome position (GRCh38, 1-based): chr12:2,512,930, G>C. VCF-style: chr12-2512930-G-C. GRCh37 (hg19) VCF-style: chr12-2622096-G-C.
Other names: c.1336G>C, p.Asp446His (NM_001129827.2, NM_001129829.2, NM_001129830.3 and 18 more transcripts); c.1327G>C, p.Asp443His (NM_001129844.2); short protein forms D443H, D446H.
Identifiers: ClinVar variation 3718454 (VCV003718454.2).